The following is an entry in ClinVar:

ClinVar aggregate classification (germline): Uncertain significance. Review status: criteria provided, multiple submitters, no conflicts (2 of 4 stars). 4 submissions from 4 submitters: Uncertain significance (4). Last evaluated 2026-02-13.

Conditions:
Retinal dystrophy. Also called: Inherited retinal dystrophy. Identifiers: Orphanet 71862, MedGen C0854723, MeSH D058499, MONDO:0019118, HP:0000556.
EYS-related disorder. Also called: EYS-related condition.

Allele frequency attached by ClinVar (database versions not stated): gnomAD exomes 0.00005.
gnomAD v4.1: 78 of 1,548,584 alleles (0.005%); highest among the groups gnomAD compares: Middle Eastern, 0.033%; 1 homozygote.

Submissions (4):

PreventionGenetics, part of Exact Sciences
Classification: Uncertain significance for EYS-related condition. Last evaluated: 2026-02-13. Review status: criteria provided, single submitter. Criteria: ACMG Guidelines, 2015. Collection method: clinical testing. Allele origin: germline.
Comment: The EYS c.2381G>A variant is predicted to result in the amino acid substitution p.Arg794Gln. This variant has been reported in individuals with retinitis pigmentosa or retinal disease (Table S4, Panneman et al. 2023. PubMed ID: 36819107; Table S1, Karali et al. 2022. PubMed ID: 36460718; Table S3, Mihalich et al. 2024. PubMed ID: 38927702); however, one individual also had two other EYS variants, two individuals also had variants in other genes, and another study did not provide additional information. This variant is reported in 0.012% of alleles in individuals of Latino descent in gnomAD. At this time, the clinical significance of this variant is uncertain due to the absence of conclusive functional and genetic evidence.

Labcorp Genetics (formerly Invitae), Labcorp
Classification: Uncertain significance. Last evaluated: 2024-04-05. Review status: criteria provided, single submitter. Criteria: Invitae Variant Classification Sherloc (09022015). Collection method: clinical testing. Allele origin: germline.
Comment: This sequence change replaces arginine, which is basic and polar, with glutamine, which is neutral and polar, at codon 794 of the EYS protein (p.Arg794Gln). This variant also falls at the last nucleotide of exon 15, which is part of the consensus splice site for this exon. This variant is present in population databases (rs765364303, gnomAD 0.008%). This missense change has been observed in individual(s) with clinical features of EYS-related conditions (PMID: 36460718, 36819107). ClinVar contains an entry for this variant (Variation ID: 2139338). Algorithms developed to predict the effect of missense changes on protein structure and function output the following: SIFT: "Not Available"; PolyPhen-2: "Benign"; Align-GVGD: "Not Available". The glutamine amino acid residue is found in multiple mammalian species, which suggests that this missense change does not adversely affect protein function. Variants that disrupt the consensus splice site are a relatively common cause of aberrant splicing (PMID: 17576681, 9536098). Algorithms developed to predict the effect of sequence changes on RNA splicing suggest that this variant may disrupt the consensus splice site. In summary, the available evidence is currently insufficient to determine the role of this variant in disease. Therefore, it has been classified as a Variant of Uncertain Significance.

Blueprint Genetics
Classification: Uncertain significance. Last evaluated: 2022-09-05. Review status: criteria provided, single submitter. Criteria: ACMG Guidelines, 2015. Collection method: clinical testing. Allele origin: germline.

Institute of Human Genetics, Univ. Regensburg, Univ. Regensburg
Classification: Uncertain significance for Retinal dystrophy. Last evaluated: 2021-01-01. Review status: criteria provided, single submitter. Criteria: ACMG Guidelines, 2015. Collection method: clinical testing. Allele origin: germline. Affected: yes.

Literature cited by the submitters: PubMed 36460718 (cited by Labcorp Genetics (formerly Invitae), Labcorp); PubMed 36819107 (cited by Labcorp Genetics (formerly Invitae), Labcorp and Institute of Human Genetics, Univ. Regensburg, Univ. Regensburg); PubMed 17576681 (cited by Labcorp Genetics (formerly Invitae), Labcorp); PubMed 9536098 (cited by Labcorp Genetics (formerly Invitae), Labcorp); PubMed 3646071 (cited by Institute of Human Genetics, Univ. Regensburg, Univ. Regensburg).

NM_001142800.2(EYS):c.2381G>A (p.Arg794Gln)

Gene: EYS (EGF-like photoreceptor maintenance factor; minus strand). Cytogenetic location: 6q12.
Variant type: single nucleotide variant.
Coding change: c.2381G>A on transcript NM_001142800.2 (MANE Select); coding-DNA position 2381, G replaced by A.
Protein change: p.Arg794Gln; replaces arginine 794 with glutamine.
Molecular consequence: missense variant.
Genome position (GRCh38, 1-based): chr6:64,945,793, C>T on the plus strand (G>A on the coding strand, the complement: EYS is on the minus strand). VCF-style: chr6-64945793-C-T. GRCh37 (hg19) VCF-style: chr6-65655686-C-T.
Other names: c.2381G>A, p.Arg794Gln (NM_001292009.2); c.2381G>A (NM_001142800.1); short protein forms R794Q.
Identifiers: ClinVar variation 2139338 (VCV002139338.5), dbSNP rs765364303, ClinGen allele CA140384337.
Genomic context (GRCh38, chr6:64,945,793, plus strand): 5'-CCCAAGGACACTGAGCACTCCAAGTAATTTCATGAAGAAAGCTAAAAATATGTTACTCAC[C>T]GATAGCTTTTGTAAAGGTCAGTACAGGTGGAATTGTTCTTGCAAGGATTCATTTTACACT-3'
Protein context (NP_001136272.1, residues 784-804): STCTDLYKSY[Arg794Gln]CECTSGWTGQ